The following is an entry in ClinVar:

ClinVar aggregate classification (germline): Uncertain significance (1 of 4 stars; one submission).

Conditions:
PKD1L1-related disorder. Also called: PKD1L1-related condition.

gnomAD v4.1: 7 of 1,614,246 alleles (0.00043%); highest among the groups gnomAD compares: Middle Eastern, 0.033%; no homozygotes.

Submission:

PreventionGenetics, part of Exact Sciences
Classification: Uncertain significance for PKD1L1-related condition. Last evaluated: 2026-03-09. Review status: criteria provided, single submitter. Criteria: ACMG Guidelines, 2015. Collection method: clinical testing. Allele origin: germline.
Comment: The PKD1L1 c.1334T>C variant is predicted to result in the amino acid substitution p.Phe445Ser. To our knowledge, this variant has not been reported in the literature. This variant is reported in 0.0029% of alleles in individuals of Latino descent in gnomAD. At this time, the clinical significance of this variant is uncertain due to the absence of conclusive functional and genetic evidence.

NM_138295.5(PKD1L1):c.1334T>C (p.Phe445Ser)

Gene: PKD1L1 (polycystin 1 like 1, transient receptor potential channel interacting; minus strand). Cytogenetic location: 7p12.3.
Variant type: single nucleotide variant.
Coding change: c.1334T>C on transcript NM_138295.5 (MANE Select); coding-DNA position 1334, T replaced by C.
Protein change: p.Phe445Ser; replaces phenylalanine 445 with serine.
Molecular consequence: missense variant.
Genome position (GRCh38, 1-based): chr7:47,908,145, A>G on the plus strand (T>C on the coding strand, the complement: PKD1L1 is on the minus strand). VCF-style: chr7-47908145-A-G. GRCh37 (hg19) VCF-style: chr7-47947742-A-G.
Other names: short protein forms F445S.
Identifiers: ClinVar variation 4978841 (VCV004978841.1).
Genomic context (GRCh38, chr7:47,908,145, plus strand): 5'-TTCACTTGGGAGTCAGCAAAGACAAGCACTTCATCTTCATGGACACTGCTGGAGTTCATG[A>G]ACGCAGACACGGCCTCATGGCCAATCTCCACATAATAAGGCCCAAGCTCCACTTCGGTTC-3'
Protein context (NP_612152.1, residues 435-455): VEIGHEAVSA[Phe445Ser]MNSSSVHEDE